The following is an entry in ClinVar:

NM_006231.4(POLE):c.5515C>T (p.Arg1839Cys)

Gene: POLE (DNA polymerase epsilon, catalytic subunit; minus strand). Cytogenetic location: 12q24.33.
Variant type: single nucleotide variant.
Coding change: c.5515C>T on transcript NM_006231.4 (MANE Select); coding-DNA position 5515, C replaced by T.
Protein change: p.Arg1839Cys; replaces arginine 1839 with cysteine.
Molecular consequence: missense variant.
Genome position (GRCh38, 1-based): chr12:132,639,162, G>A on the plus strand (C>T on the coding strand, the complement: POLE is on the minus strand). VCF-style: chr12-132639162-G-A. GRCh37 (hg19) VCF-style: chr12-133215748-G-A.
Other names: c.5515C>T (NM_006231.2); short protein forms R1839C.
Identifiers: ClinVar variation 405582 (VCV000405582.20), dbSNP rs141519273, ClinGen allele CA6892505.
Genomic context (GRCh38, chr12:132,639,162, plus strand): 5'-GCCCAGGGAGGAGGAGCACTCACTGCAGGAAGAGCTTCTTCATCATGTTGTGGAGTGTGC[G>A]GTGCAGGGCAGGGTCATGAAGCAGAGAGGATGGCGACCGAAGCCAGCGGTAGAAGTGCAT-3'
Protein context (NP_006222.2, residues 1829-1849): SSLLHDPALH[Arg1839Cys]TLHNMMKKLF

ClinVar aggregate classification (germline): Uncertain significance. Review status: criteria provided, multiple submitters, no conflicts (2 of 4 stars). 5 submissions from 5 submitters: Uncertain significance (5). Last evaluated 2025-12-17.

Conditions:
Hereditary cancer-predisposing syndrome. Also called: Hereditary Cancer Syndrome; Hereditary neoplastic syndrome; Neoplastic Syndromes, Hereditary; Tumor predisposition. Identifiers: Orphanet 140162, MedGen C0027672, MeSH D009386, MONDO:0015356.

Allele frequency attached by ClinVar (database versions not stated): ExAC 0.00002; gnomAD exomes 0.00002; gnomAD 0.00003 and 0.00004; TOPMed 0.00005; ESP Exome Variant Server 0.00023.
gnomAD v4.1: 19 of 1,613,998 alleles (0.0012%); highest among the groups gnomAD compares: Middle Eastern, 0.016%; no homozygotes.

Submissions (5):

Labcorp Genetics (formerly Invitae), Labcorp
Classification: Uncertain significance. Last evaluated: 2025-12-17. Review status: criteria provided, single submitter. Criteria: Invitae Variant Classification Sherloc (09022015). Collection method: clinical testing. Allele origin: germline.
Comment: This sequence change replaces arginine, which is basic and polar, with cysteine, which is neutral and slightly polar, at codon 1839 of the POLE protein (p.Arg1839Cys). This variant is present in population databases (rs141519273, gnomAD 0.01%). This variant has not been reported in the literature in individuals affected with POLE-related conditions. ClinVar contains an entry for this variant (Variation ID: 405582). Invitae Evidence Modeling of protein sequence and biophysical properties (such as structural, functional, and spatial information, amino acid conservation, physicochemical variation, residue mobility, and thermodynamic stability) has been performed for this missense variant. However, the output from this modeling did not meet the statistical confidence thresholds required to predict the impact of this variant on POLE protein function. In summary, the available evidence is currently insufficient to determine the role of this variant in disease. Therefore, it has been classified as a Variant of Uncertain Significance.

Center for Genomic Medicine, Rigshospitalet, Copenhagen University Hospital
Classification: Uncertain significance. Last evaluated: 2025-03-04. Review status: criteria provided, single submitter. Criteria: ACMG Guidelines, 2015. Collection method: clinical testing. Allele origin: germline.

Ambry Genetics
Classification: Uncertain significance for Hereditary cancer-predisposing syndrome. Last evaluated: 2024-12-11. Review status: criteria provided, single submitter. Criteria: Ambry Variant Classification Scheme 2023. Collection method: clinical testing. Allele origin: germline.
Comment: The p.R1839C variant (also known as c.5515C>T), located in coding exon 40 of the POLE gene, results from a C to T substitution at nucleotide position 5515. The arginine at codon 1839 is replaced by cysteine, an amino acid with highly dissimilar properties. This amino acid position is highly conserved in available vertebrate species. In addition, this alteration is predicted to be deleterious by in silico analysis. Based on the available evidence, the clinical significance of this variant remains unclear.

GeneDx
Classification: Uncertain significance. Last evaluated: 2019-07-18. Review status: criteria provided, single submitter. Criteria: GeneDx Variant Classification Process June 2021. Collection method: clinical testing. Allele origin: germline. Affected: yes.
Comment: Not observed at a significant frequency in large population cohorts (Lek et al., 2016); In silico analysis, which includes protein predictors and evolutionary conservation, supports a deleterious effect; Has not been previously published as pathogenic or benign to our knowledge

PreventionGenetics, part of Exact Sciences
Classification: Uncertain significance. Last evaluated: 2017-09-15. Review status: criteria provided, single submitter. Criteria: ACMG Guidelines, 2015. Collection method: clinical testing. Allele origin: germline.